The following is an entry in ClinVar:

NM_001478.5(B4GALNT1):c.997G>A (p.Gly333Ser)

Gene: B4GALNT1 (beta-1,4-N-acetyl-galactosaminyltransferase 1; minus strand). Cytogenetic location: 12q13.3.
Variant type: single nucleotide variant.
Coding change: c.997G>A on transcript NM_001478.5 (MANE Select); coding-DNA position 997, G replaced by A.
Protein change: p.Gly333Ser; replaces glycine 333 with serine.
Molecular consequence: missense variant.
Genome position (GRCh38, 1-based): chr12:57,628,718, C>T on the plus strand (G>A on the coding strand, the complement: B4GALNT1 is on the minus strand). VCF-style: chr12-57628718-C-T. GRCh37 (hg19) VCF-style: chr12-58022501-C-T.
Other names: c.832G>A, p.Gly278Ser (NM_001276468.2); c.997G>A (NM_001478.3); short protein forms G333S, G278S.
Identifiers: ClinVar variation 1402030 (VCV001402030.8), dbSNP rs138721508, ClinGen allele CA6655578.

ClinVar aggregate classification (germline): Uncertain significance. Review status: criteria provided, multiple submitters, no conflicts (2 of 4 stars). 2 submissions from 2 submitters: Uncertain significance (2). Last evaluated 2025-03-27.

Conditions:
Inborn genetic diseases. Identifiers: MedGen C0950123, MeSH D030342.
Spastic paraplegia. Identifiers: MedGen C0037772, HP:0001258.

Allele frequency attached by ClinVar (database versions not stated): gnomAD exomes 0.00003; ExAC 0.00004; ESP Exome Variant Server 0.00023.
gnomAD v4.1: 28 of 1,614,154 alleles (0.0017%); highest among the groups gnomAD compares: African/African-American, 0.02%; no homozygotes.

Submissions (2):

Ambry Genetics
Classification: Uncertain significance for Inborn genetic diseases. Last evaluated: 2025-03-27. Review status: criteria provided, single submitter. Criteria: Ambry Variant Classification Scheme 2023. Collection method: clinical testing. Allele origin: germline.

Labcorp Genetics (formerly Invitae), Labcorp
Classification: Uncertain significance for Spastic paraplegia. Last evaluated: 2022-03-05. Review status: criteria provided, single submitter. Criteria: Invitae Variant Classification Sherloc (09022015). Collection method: clinical testing. Allele origin: germline.
Comment: Algorithms developed to predict the effect of missense changes on protein structure and function are either unavailable or do not agree on the potential impact of this missense change (SIFT: "Tolerated"; PolyPhen-2: "Possibly Damaging"; Align-GVGD: "Class C0"). Algorithms developed to predict the effect of sequence changes on RNA splicing suggest that this variant may create or strengthen a splice site. In summary, the available evidence is currently insufficient to determine the role of this variant in disease. Therefore, it has been classified as a Variant of Uncertain Significance. This variant has not been reported in the literature in individuals affected with B4GALNT1-related conditions. This sequence change replaces glycine, which is neutral and non-polar, with serine, which is neutral and polar, at codon 333 of the B4GALNT1 protein (p.Gly333Ser). This variant is present in population databases (rs138721508, gnomAD 0.03%).